The following is an entry in ClinVar:

ClinVar aggregate classification (germline): Uncertain significance (1 of 4 stars; one submission).

Submission:

Labcorp Genetics (formerly Invitae), Labcorp
Classification: Uncertain significance. Last evaluated: 2022-04-03. Review status: criteria provided, single submitter. Criteria: Invitae Variant Classification Sherloc (09022015). Collection method: clinical testing. Allele origin: germline.
Comment: This sequence change replaces histidine, which is basic and polar, with leucine, which is neutral and non-polar, at codon 24 of the CTNNB1 protein (p.His24Leu). This variant is not present in population databases (gnomAD no frequency). This variant has not been reported in the literature in individuals affected with CTNNB1-related conditions. Algorithms developed to predict the effect of missense changes on protein structure and function (SIFT, PolyPhen-2, Align-GVGD) all suggest that this variant is likely to be tolerated. In summary, the available evidence is currently insufficient to determine the role of this variant in disease. Therefore, it has been classified as a Variant of Uncertain Significance.

NM_001904.4(CTNNB1):c.71A>T (p.His24Leu)

Genes: CTNNB1 (catenin beta 1; plus strand), LOC126806658 (BRD4-independent group 4 enhancer GRCh37_chr3:41265899-41267098; plus strand). Cytogenetic location: 3p22.1.
Variant type: single nucleotide variant.
Coding change: c.71A>T on transcript NM_001904.4 (MANE Select); coding-DNA position 71, A replaced by T.
Protein change: p.His24Leu; replaces histidine 24 with leucine.
Molecular consequence: missense variant.
Genome position (GRCh38, 1-based): chr3:41,224,583, A>T. VCF-style: chr3-41224583-A-T. GRCh37 (hg19) VCF-style: chr3-41266074-A-T.
Other names: c.71A>T, p.His24Leu (NM_001098209.2, NM_001098210.2); c.50A>T, p.His17Leu (NM_001330729.2); short protein forms H17L, H24L.
Identifiers: ClinVar variation 2120980 (VCV002120980.4), dbSNP rs2125617021, ClinGen allele CA352228449.
Genomic context (GRCh38, chr3:41,224,583, plus strand): 5'-TAGCTGATTTGATGGAGTTGGACATGGCCATGGAACCAGACAGAAAAGCGGCTGTTAGTC[A>T]CTGGCAGCAACAGTCTTACCTGGACTCTGGAATCCATTCTGGTGCCACTACCACAGCTCC-3'
Protein context (NP_001895.1, residues 14-34): MEPDRKAAVS[His24Leu]WQQQSYLDSG